The following is an entry in ClinVar:

NM_000051.4(ATM):c.5114A>T (p.Asp1705Val)

Gene: ATM (ATM serine/threonine kinase; plus strand). Cytogenetic location: 11q22.3.
Variant type: single nucleotide variant.
Coding change: c.5114A>T on transcript NM_000051.4 (MANE Select); coding-DNA position 5114, A replaced by T.
Protein change: p.Asp1705Val; replaces aspartic acid 1705 with valine.
Molecular consequence: missense variant.
Genome position (GRCh38, 1-based): chr11:108,299,822, A>T. VCF-style: chr11-108299822-A-T. GRCh37 (hg19) VCF-style: chr11-108170549-A-T.
Other names: c.5114A>T, p.Asp1705Val (NM_001351834.2); short protein forms D1705V.
Identifiers: ClinVar variation 1992197 (VCV001992197.5), dbSNP rs2083331705, ClinGen allele CA382540816.

ClinVar aggregate classification (germline): Uncertain significance. Review status: criteria provided, multiple submitters, no conflicts (2 of 4 stars). 2 submissions from 2 submitters: Uncertain significance (2). Last evaluated 2025-01-23.

Conditions:
Ataxia-telangiectasia syndrome (AT). Also called: Ataxia telangiectasia (A-T); Cerebello-oculocutaneous telangiectasia; Immunodeficiency with ataxia telangiectasia; Ataxia-telangiectasia, complementation group D; Ataxia-telangiectasia, complementation group E; LOUIS-BAR SYNDROME. Identifiers: Orphanet 100, MedGen C0004135, MONDO:0008840, OMIM 208900.
Hereditary cancer-predisposing syndrome. Also called: Hereditary Cancer Syndrome; Neoplastic Syndromes, Hereditary; Hereditary neoplastic syndrome; Tumor predisposition. Identifiers: Orphanet 140162, MedGen C0027672, MeSH D009386, MONDO:0015356.

Submissions (2):

Labcorp Genetics (formerly Invitae), Labcorp
Classification: Uncertain significance for Ataxia-telangiectasia syndrome. Last evaluated: 2025-01-23. Review status: criteria provided, single submitter. Criteria: Invitae Variant Classification Sherloc (09022015). Collection method: clinical testing. Allele origin: germline.
Comment: This sequence change replaces aspartic acid, which is acidic and polar, with valine, which is neutral and non-polar, at codon 1705 of the ATM protein (p.Asp1705Val). This variant is not present in population databases (gnomAD no frequency). This variant has not been reported in the literature in individuals affected with ATM-related conditions. ClinVar contains an entry for this variant (Variation ID: 1992197). Invitae Evidence Modeling of protein sequence and biophysical properties (such as structural, functional, and spatial information, amino acid conservation, physicochemical variation, residue mobility, and thermodynamic stability) indicates that this missense variant is not expected to disrupt ATM protein function with a negative predictive value of 95%. In summary, the available evidence is currently insufficient to determine the role of this variant in disease. Therefore, it has been classified as a Variant of Uncertain Significance.

Ambry Genetics
Classification: Uncertain significance for Hereditary cancer-predisposing syndrome. Last evaluated: 2023-12-14. Review status: criteria provided, single submitter. Criteria: Ambry Variant Classification Scheme 2023. Collection method: clinical testing. Allele origin: germline.
Comment: The p.D1705V variant (also known as c.5114A>T), located in coding exon 33 of the ATM gene, results from an A to T substitution at nucleotide position 5114. The aspartic acid at codon 1705 is replaced by valine, an amino acid with highly dissimilar properties. This amino acid position is conserved. In addition, the in silico prediction for this alteration is inconclusive. Since supporting evidence is limited at this time, the clinical significance of this alteration remains unclear.